The following is an entry in ClinVar:

ClinVar aggregate classification (germline): Uncertain significance. Review status: criteria provided, multiple submitters, no conflicts (2 of 4 stars). 2 submissions from 2 submitters: Uncertain significance (2). Last evaluated 2025-01-24.

Conditions:
Primary dilated cardiomyopathy (DCM). Also called: Dilated Cardiomyopathy. Identifiers: Orphanet 217604, MedGen C0007193, MeSH D002311, MONDO:0005021, HP:0001644. Inheritance: Various modes of inheritance.

Allele frequency attached by ClinVar (database versions not stated): ExAC 0.00001; gnomAD exomes 0.00001; TOPMed 0.00001; gnomAD 0.00002; ESP Exome Variant Server 0.00008.
gnomAD v4.1: 17 of 1,599,648 alleles (0.0011%); highest among the groups gnomAD compares: Middle Eastern, 0.017%; no homozygotes.

Submissions (2):

Ambry Genetics
Classification: Uncertain significance. Last evaluated: 2025-01-24. Review status: criteria provided, single submitter. Criteria: Ambry Variant Classification Scheme 2023. Collection method: clinical testing. Allele origin: germline.

Labcorp Genetics (formerly Invitae), Labcorp
Classification: Uncertain significance for Primary dilated cardiomyopathy. Last evaluated: 2024-11-13. Review status: criteria provided, single submitter. Criteria: Invitae Variant Classification Sherloc (09022015). Collection method: clinical testing. Allele origin: germline.
Comment: This sequence change replaces arginine, which is basic and polar, with glutamine, which is neutral and polar, at codon 302 of the NEBL protein (p.Arg302Gln). This variant is present in population databases (rs372726051, gnomAD 0.003%). This variant has not been reported in the literature in individuals affected with NEBL-related conditions. ClinVar contains an entry for this variant (Variation ID: 2754105). An algorithm developed to predict the effect of missense changes on protein structure and function (PolyPhen-2) suggests that this variant is likely to be tolerated. In summary, the available evidence is currently insufficient to determine the role of this variant in disease. Therefore, it has been classified as a Variant of Uncertain Significance.

NM_006393.3(NEBL):c.905G>A (p.Arg302Gln)

Gene: NEBL (nebulette; minus strand). Cytogenetic location: 10p12.31.
Variant type: single nucleotide variant.
Coding change: c.905G>A on transcript NM_006393.3 (MANE Select); coding-DNA position 905, G replaced by A.
Protein change: p.Arg302Gln; replaces arginine 302 with glutamine.
Molecular consequence: missense variant. On other transcripts: intron variant (9).
Genome position (GRCh38, 1-based): chr10:20,852,648, C>T on the plus strand (G>A on the coding strand, the complement: NEBL is on the minus strand). VCF-style: chr10-20852648-C-T. GRCh37 (hg19) VCF-style: chr10-21141577-C-T.
Other names: c.250-39708G>A (NM_001377326.1, NM_001377327.1, NM_001377328.1); c.358-39708G>A (NM_213569.2, NM_001173484.2, NM_001377322.1); c.301-39708G>A (NM_001377324.1); c.292-39708G>A (NM_001377325.1); c.310-39708G>A (NM_001377323.1); short protein forms R302Q.
Identifiers: ClinVar variation 2754105 (VCV002754105.5), dbSNP rs372726051, ClinGen allele CA5433037.